The following is an entry in ClinVar:

NM_000155.4(GALT):c.85C>T (p.His29Tyr)

Gene: GALT (galactose-1-phosphate uridylyltransferase; plus strand). Cytogenetic location: 9p13.3.
Variant type: single nucleotide variant.
Coding change: c.85C>T on transcript NM_000155.4 (MANE Select); coding-DNA position 85, C replaced by T.
Protein change: p.His29Tyr; replaces histidine 29 with tyrosine.
Molecular consequence: missense variant. On other transcripts: 5 prime UTR variant (1).
Genome position (GRCh38, 1-based): chr9:34,647,091, C>T. VCF-style: chr9-34647091-C-T. GRCh37 (hg19) VCF-style: chr9-34647088-C-T.
Other names: c.-118C>T (NM_001258332.2); short protein forms H29Y.
Identifiers: ClinVar variation 2631528 (VCV002631528.1), dbSNP rs2492861309, ClinGen allele CA373278461.

ClinVar aggregate classification (germline): Uncertain significance (1 of 4 stars; one submission).

Conditions:
GALT-related disorder. Also called: GALT-related condition.

Submission:

PreventionGenetics, part of Exact Sciences
Classification: Uncertain significance for GALT-related condition. Last evaluated: 2023-08-11. Review status: criteria provided, single submitter. Criteria: ACMG Guidelines, 2015. Collection method: clinical testing. Allele origin: germline.
Comment: The GALT c.85C>T variant is predicted to result in the amino acid substitution p.His29Tyr. To our knowledge, this variant has not been reported in the literature or in a large population database, indicating this variant is rare. A variant affecting the same amino acid, p.His29Arg, has been reported in two individuals with galactosaemia (Table 3, Demirbas et al. 2019. PubMed ID: 30718057). At this time, the clinical significance of this variant is uncertain due to the absence of conclusive functional and genetic evidence.